The following is an entry in ClinVar:

NM_000277.3(PAH):c.1066-14C>G

Gene: PAH (phenylalanine hydroxylase; minus strand). Cytogenetic location: 12q23.2.
Variant type: single nucleotide variant.
Coding change: c.1066-14C>G on transcript NM_000277.3 (MANE Select); 14 bases into the intron before coding-DNA position 1066, C replaced by G.
Molecular consequence: intron variant.
Genome position (GRCh38, 1-based): chr12:102,843,793, G>C on the plus strand (C>G on the coding strand, the complement: PAH is on the minus strand). VCF-style: chr12-102843793-G-C. GRCh37 (hg19) VCF-style: chr12-103237571-G-C.
Other names: c.1066-14C>G (NM_001354304.2).
Identifiers: ClinVar variation 102508 (VCV000102508.10), dbSNP rs62507334, ClinGen allele CA229321.

ClinVar aggregate classification (germline): Likely pathogenic. Review status: reviewed by expert panel (3 of 4 stars). 5 submissions from 5 submitters: Likely pathogenic (1). 4 of the submissions do not count toward it. Last evaluated 2020-12-11.

Conditions:
Phenylketonuria (PKU). Also called: Phenylketonuria (PKU); FOLLING DISEASE; OLIGOPHRENIA PHENYLPYRUVICA; Phenylketonurias. Identifiers: Orphanet 716, MedGen C0031485, MONDO:0009861, OMIM 261600. Disease mechanism: loss of function.

gnomAD v4.1: 3 of 1,613,058 alleles (0.00019%); highest among the groups gnomAD compares: East Asian, 0.0067%; no homozygotes.

Submissions (5):

ClinGen PAH Variant Curation Expert Panel
Classification: Likely pathogenic for Phenylketonuria. Last evaluated: 2020-12-11. Review status: reviewed by expert panel. Criteria: ClinGen PAH ACMG Specifications v1. Collection method: curation. Allele origin: germline. Inheritance: Autosomal recessive inheritance.
Comment: A defect in BH4 metabolism was excluded through a BH4 loading test, urinary pterin analysis, and DHPR activity assay. This variant is absent from population databases gnomAD, 1000 Genomes and ESP. Splicing prediction algorithms predict this variant to be probably damaging. In summary, this variant meets criteria to be classified as likely pathogenic for PAH. PAH-specific ACMG/AMP criteria applied: PM2, PP4_moderate, PP3, PM3_supporting.

Labcorp Genetics (formerly Invitae), Labcorp
Classification: Pathogenic for Phenylketonuria. Last evaluated: 2025-10-22. Review status: criteria provided, single submitter. Criteria: Invitae Variant Classification Sherloc (09022015). Collection method: clinical testing. Allele origin: germline. Not counted in ClinVar's aggregate classification.
Comment: This sequence change falls in intron 10 of the PAH gene. It does not directly change the encoded amino acid sequence of the PAH protein. This variant is not present in population databases (gnomAD no frequency). This variant has been observed in individual(s) with PAH-related conditions (PMID: 17502162, 29499199, 32668217). This variant is also known as IVS10-14C>G. ClinVar contains an entry for this variant (Variation ID: 102508). Algorithms developed to predict the effect of sequence changes on RNA splicing suggest that this variant may disrupt the consensus splice site. For these reasons, this variant has been classified as Pathogenic.

3billion
Classification: Pathogenic for Phenylketonuria. Last evaluated: 2025-10-01. Review status: criteria provided, single submitter. Criteria: ACMG Guidelines, 2015. Collection method: clinical testing. Allele origin: germline. Affected: yes. Not counted in ClinVar's aggregate classification.
Comment: The variant is observed at an extremely low frequency in the gnomAD v4.1.0 dataset (total allele frequency: <0.001%). Predicted Consequence/Location: Intron variant In silico tools predict the variant to alter splicing and produce an abnormal transcript [SpliceAI: 0.79 (>=0.2, moderate evidence for spliceogenicity)]. The variant has been reported to be in trans with a pathogenic variant as either compound heterozygous or homozygous in at least one similarly affected unrelated individual (PMID: 29499199). The variant has been reported multiple times as an established pathogenic variant (ClinVar ID: VCV000102508 /PMID: 21154324). Therefore, this variant is classified as Pathogenic according to the recommendation of ACMG/AMP guideline.

Women's Health and Genetics/Laboratory Corporation of America, LabCorp
Classification: Pathogenic for Phenylketonuria. Last evaluated: 2023-10-26. Review status: criteria provided, single submitter. Criteria: LabCorp Variant Classification Summary - May 2015. Collection method: clinical testing. Allele origin: germline. Not counted in ClinVar's aggregate classification.
Comment: Variant summary: PAH c.1066-14C>G alters a non-conserved nucleotide located at a position not widely known to affect splicing. Several computational tools predict a significant impact on normal splicing: Two predict the variant creates a cryptic 3' acceptor site. Two predict the variant weakens a canonical 3' acceptor site. The variant was absent in 250464 control chromosomes (gnomAD). c.1066-14C>G has been reported in the literature in multiple individuals affected with Phenylalanine Hydroxylase Deficiency (Phenylketonuria) (examples: Shirzadeh_2018, Zhu_2013, Lee_2008, Dobrowolski_2007, Kimura_2001). These data indicate that the variant is very likely to be associated with disease. The following publications have been ascertained in the context of this evaluation (PMID: 30159852, 17502162, 18985011, 11207989, 23932990). Two submitters (including ClinGen PAH Variant Curation Expert Panel) have cited clinical-significance assessments for this variant to ClinVar after 2014. All submitters classified the variant as pathogenic/likely pathogenic. Based on the evidence outlined above, the variant was classified as pathogenic.

DeBelle Laboratory for Biochemical Genetics, MUHC/MCH RESEARCH INSTITUTE
No classification provided. Review status: no classification provided. Collection method: not provided. Allele origin: not provided. Not counted in ClinVar's aggregate classification.

Literature cited by the submitters: PubMed 17502162 (cited by Labcorp Genetics (formerly Invitae), Labcorp and Women's Health and Genetics/Laboratory Corporation of America, LabCorp); PubMed 29499199 (cited by Labcorp Genetics (formerly Invitae), Labcorp and 3billion); PubMed 32668217 (cited by Labcorp Genetics (formerly Invitae), Labcorp); PubMed 21154324 (cited by 3billion); PubMed 23932990 (cited by Women's Health and Genetics/Laboratory Corporation of America, LabCorp); PubMed 11207989 (cited by Women's Health and Genetics/Laboratory Corporation of America, LabCorp); PubMed 30159852 (cited by Women's Health and Genetics/Laboratory Corporation of America, LabCorp); PubMed 18985011 (cited by Women's Health and Genetics/Laboratory Corporation of America, LabCorp).